The following is an entry in ClinVar:

ClinVar aggregate classification (germline): Uncertain significance. Review status: criteria provided, multiple submitters, no conflicts (2 of 4 stars). 2 submissions from 2 submitters: Uncertain significance (2). Last evaluated 2025-02-08.

Conditions:
Hereditary spastic paraplegia 30. Identifiers: Orphanet 101010, MedGen C5235139, MONDO:0012476.
Neuropathy, hereditary sensory, type 2C. Also called: KIF1A-Related HSAN2 (HSAN2C); Hereditary sensory and autonomic neuropathy type IIC. Identifiers: Orphanet 970, MedGen C3280168, MONDO:0013634, OMIM 614213.
Intellectual disability, autosomal dominant 9 (NESCAVS). Also called: KIF1A-Related Neurodevelopmental Disorder; NESCAV SYNDROME. Identifiers: Orphanet 662367, MedGen C5393830, MONDO:0013656, OMIM 614255.

gnomAD v4.1: 2 of 1,613,514 alleles (0.00012%); highest among the groups gnomAD compares: Non-Finnish European, 0.00017%; no homozygotes.

Submissions (2):

Dasa
Classification: Uncertain significance. Last evaluated: 2025-02-08. Review status: criteria provided, single submitter. Criteria: DASA Assertion Criteria. Collection method: clinical testing. Allele origin: germline.
Comment: NM_001244008.2(KIF1A):c.850G>T (p.Ala284Ser) is a missense variant that results in the substitution of alanine with serine. This variant is rare in population databases. The currently available literature and clinical evidence are not sufficient to establish a definitive association between this variant and the reported condition. Therefore, this variant is classified as a variant of uncertain significance.

Labcorp Genetics (formerly Invitae), Labcorp
Classification: Uncertain significance for Hereditary spastic paraplegia 30; Neuropathy, hereditary sensory, type 2C; Intellectual disability, autosomal dominant 9. Last evaluated: 2025-01-31. Review status: criteria provided, single submitter. Criteria: Invitae Variant Classification Sherloc (09022015). Collection method: clinical testing. Allele origin: germline.
Comment: This sequence change replaces alanine, which is neutral and non-polar, with serine, which is neutral and polar, at codon 284 of the KIF1A protein (p.Ala284Ser). This variant is present in population databases (rs756136593, gnomAD no frequency). This variant has not been reported in the literature in individuals affected with KIF1A-related conditions. ClinVar contains an entry for this variant (Variation ID: 1346147). Invitae Evidence Modeling of protein sequence and biophysical properties (such as structural, functional, and spatial information, amino acid conservation, physicochemical variation, residue mobility, and thermodynamic stability) indicates that this missense variant is expected to disrupt KIF1A protein function with a positive predictive value of 95%. In summary, the available evidence is currently insufficient to determine the role of this variant in disease. Therefore, it has been classified as a Variant of Uncertain Significance.

NM_001244008.2(KIF1A):c.850G>T (p.Ala284Ser)

Gene: KIF1A (kinesin family member 1A; minus strand). Cytogenetic location: 2q37.3.
Variant type: single nucleotide variant.
Coding change: c.850G>T on transcript NM_001244008.2 (MANE Select); coding-DNA position 850, G replaced by T.
Protein change: p.Ala284Ser; replaces alanine 284 with serine.
Molecular consequence: missense variant.
Genome position (GRCh38, 1-based): chr2:240,783,058, C>A on the plus strand (G>T on the coding strand, the complement: KIF1A is on the minus strand). VCF-style: chr2-240783058-C-A. GRCh37 (hg19) VCF-style: chr2-241722475-C-A.
Other names: c.850G>T, p.Ala284Ser (NM_001330290.2, NM_001379631.1, NM_001379632.1 and 20 more transcripts); short protein forms A284S.
Identifiers: ClinVar variation 1346147 (VCV001346147.7), dbSNP rs756136593, ClinGen allele CA2208638.